The following is an entry in ClinVar:

NM_003664.5(AP3B1):c.2401A>G (p.Lys801Glu)

Gene: AP3B1 (adaptor related protein complex 3 subunit beta 1; minus strand). Cytogenetic location: 5q14.1.
Variant type: single nucleotide variant.
Coding change: c.2401A>G on transcript NM_003664.5 (MANE Select); coding-DNA position 2401, A replaced by G.
Protein change: p.Lys801Glu; replaces lysine 801 with glutamic acid.
Molecular consequence: missense variant.
Genome position (GRCh38, 1-based): chr5:78,101,022, T>C on the plus strand (A>G on the coding strand, the complement: AP3B1 is on the minus strand). VCF-style: chr5-78101022-T-C. GRCh37 (hg19) VCF-style: chr5-77396846-T-C.
Other names: c.2254A>G, p.Lys752Glu (NM_001271769.2); c.2401A>G, p.Lys801Glu (NM_001410752.1); short protein forms K752E, K801E.
Identifiers: ClinVar variation 2416209 (VCV002416209.4), dbSNP rs765769050, ClinGen allele CA3316778.
Genomic context (GRCh38, chr5:78,101,022, plus strand): 5'-GATCTAGAAGTGAAACATCTTTGGTAAGAGGAGTTCTATCTTGCTTTGTTTTCTTTTCTT[T>C]CTCCTATAAAATAACAAATATTTCATTTATCACACGTTCTGTTTTAAAAATCTGTGGAGT-3'
Protein context (NP_003655.3, residues 791-811): ESESRRVTKE[Lys801Glu]EKKTKQDRTP

ClinVar aggregate classification (germline): Uncertain significance. Review status: criteria provided, multiple submitters, no conflicts (2 of 4 stars). 2 submissions from 2 submitters: Uncertain significance (2). Last evaluated 2024-11-06.

Conditions:
Hermansky-Pudlak syndrome 2 (HPS2). Also called: Platelet defects and oculocutaneous albinism. Identifiers: Orphanet 183678, Orphanet 79430, MedGen C1842362, MONDO:0011997, OMIM 608233.

Allele frequency attached by ClinVar (database versions not stated): gnomAD exomes below 0.00001; ExAC 0.00004.
gnomAD v4.1: 4 of 1,501,456 alleles (0.00027%); highest among the groups gnomAD compares: Admixed American, 0.0069%; no homozygotes.

Submissions (2):

Women's Health and Genetics/Laboratory Corporation of America, LabCorp
Classification: Uncertain significance. Last evaluated: 2024-11-06. Review status: criteria provided, single submitter. Criteria: LabCorp Variant Classification Summary - May 2015. Collection method: clinical testing. Allele origin: germline.
Comment: Variant summary: AP3B1 c.2401A>G (p.Lys801Glu) results in a conservative amino acid change in the encoded protein sequence. Five of five in-silico tools predict a benign effect of the variant on protein function. The variant allele was found at a frequency of 1.4e-05 in 219604 control chromosomes. The available data on variant occurrences in the general population are insufficient to allow any conclusion about variant significance. To our knowledge, no occurrence of c.2401A>G in individuals affected with Hermansky-Pudlak Syndrome and no experimental evidence demonstrating its impact on protein function have been reported. ClinVar contains an entry for this variant (Variation ID: 2416209). Based on the evidence outlined above, the variant was classified as uncertain significance.

Labcorp Genetics (formerly Invitae), Labcorp
Classification: Uncertain significance for Hermansky-Pudlak syndrome 2. Last evaluated: 2022-04-09. Review status: criteria provided, single submitter. Criteria: Invitae Variant Classification Sherloc (09022015). Collection method: clinical testing. Allele origin: germline.
Comment: This sequence change replaces lysine, which is basic and polar, with glutamic acid, which is acidic and polar, at codon 801 of the AP3B1 protein (p.Lys801Glu). This variant is present in population databases (rs765769050, gnomAD 0.01%). This variant has not been reported in the literature in individuals affected with AP3B1-related conditions. Algorithms developed to predict the effect of missense changes on protein structure and function output the following: SIFT: "Tolerated"; PolyPhen-2: "Benign"; Align-GVGD: "Class C0". The glutamic acid amino acid residue is found in multiple mammalian species, which suggests that this missense change does not adversely affect protein function. In summary, the available evidence is currently insufficient to determine the role of this variant in disease. Therefore, it has been classified as a Variant of Uncertain Significance.